The following is an entry in ClinVar:

ClinVar aggregate classification (germline): Uncertain significance (1 of 4 stars; one submission).

Conditions:
Peutz-Jeghers syndrome (PJS). Also called: POLYPOSIS, HAMARTOMATOUS INTESTINAL; POLYPS-AND-SPOTS SYNDROME; Peutz-Jeghers polyposis; Periorificial lentiginosis syndrome. Identifiers: Orphanet 2869, MedGen C0031269, MeSH D010580, MONDO:0008280, OMIM 175200.

Submission:

Labcorp Genetics (formerly Invitae), Labcorp
Classification: Uncertain significance for Peutz-Jeghers syndrome. Last evaluated: 2024-03-10. Review status: criteria provided, single submitter. Criteria: Invitae Variant Classification Sherloc (09022015). Collection method: clinical testing. Allele origin: germline.
Comment: This sequence change replaces asparagine, which is neutral and polar, with isoleucine, which is neutral and non-polar, at codon 259 of the STK11 protein (p.Asn259Ile). This variant is not present in population databases (gnomAD no frequency). This variant has not been reported in the literature in individuals affected with STK11-related conditions. Advanced modeling of protein sequence and biophysical properties (such as structural, functional, and spatial information, amino acid conservation, physicochemical variation, residue mobility, and thermodynamic stability) performed at Invitae indicates that this missense variant is expected to disrupt STK11 protein function with a positive predictive value of 80%. In summary, the available evidence is currently insufficient to determine the role of this variant in disease. Therefore, it has been classified as a Variant of Uncertain Significance.

NM_000455.5(STK11):c.776A>T (p.Asn259Ile)

Gene: STK11 (serine/threonine kinase 11; plus strand). Cytogenetic location: 19p13.3.
Variant type: single nucleotide variant.
Coding change: c.776A>T on transcript NM_000455.5 (MANE Select); coding-DNA position 776, A replaced by T.
Protein change: p.Asn259Ile; replaces asparagine 259 with isoleucine.
Molecular consequence: missense variant. On other transcripts: non-coding transcript variant (1).
Genome position (GRCh38, 1-based): chr19:1,221,254, A>T. VCF-style: chr19-1221254-A-T. GRCh37 (hg19) VCF-style: chr19-1221253-A-T.
Other names: c.776A>T, p.Asn259Ile (NM_001407255.1); short protein forms N259I.
Identifiers: ClinVar variation 3645269 (VCV003645269.2).